The following is an entry in ClinVar:

ClinVar aggregate classification (germline): Likely benign. Review status: criteria provided, single submitter (1 of 4 stars). 2 submissions from 2 submitters: Likely benign (1). 1 of the submissions does not count toward it. Last evaluated 2023-01-26.

Conditions:
EP300-related disorder. Also called: EP300-related disorders; EP300-related condition.
Rubinstein-Taybi syndrome due to EP300 haploinsufficiency. Also called: EP300-Related Rubinstein-Taybi Syndrome; RUBINSTEIN-TAYBI SYNDROME 2. Identifiers: Orphanet 353284, Orphanet 783, MedGen C3150941, MONDO:0013364, OMIM 613684.

Allele frequency attached by ClinVar (database versions not stated): ExAC 0.00001; gnomAD 0.00003; TOPMed 0.00004; gnomAD exomes 0.00007.
gnomAD v4.1: 110 of 1,613,936 alleles (0.0068%); highest among the groups gnomAD compares: Non-Finnish European, 0.0091%; no homozygotes.

Submissions (2):

Labcorp Genetics (formerly Invitae), Labcorp
Classification: Likely benign for Rubinstein-Taybi syndrome due to EP300 haploinsufficiency. Last evaluated: 2023-01-26. Review status: criteria provided, single submitter. Criteria: Invitae Variant Classification Sherloc (09022015). Collection method: clinical testing. Allele origin: germline.

PreventionGenetics, part of Exact Sciences
Classification: Likely benign for EP300-related condition. Last evaluated: 2022-11-02. Review status: no assertion criteria provided. Collection method: clinical testing. Allele origin: germline. Not counted in ClinVar's aggregate classification.
Comment: This variant is classified as likely benign based on ACMG/AMP sequence variant interpretation guidelines (Richards et al. 2015 PMID: 25741868, with internal and published modifications).

NM_001429.4(EP300):c.6801A>G (p.Gln2267=)

Gene: EP300 (EP300 lysine acetyltransferase; plus strand). Cytogenetic location: 22q13.2.
Variant type: single nucleotide variant.
Coding change: c.6801A>G on transcript NM_001429.4 (MANE Select); coding-DNA position 6801, A replaced by G.
Protein change: p.Gln2267=; no amino-acid change (glutamine 2267 retained).
Molecular consequence: synonymous variant.
Genome position (GRCh38, 1-based): chr22:41,178,512, A>G. VCF-style: chr22-41178512-A-G. GRCh37 (hg19) VCF-style: chr22-41574516-A-G.
Other names: c.6723A>G, p.Gln2241= (NM_001362843.2); c.6801A>G (NM_001429.3).
Identifiers: ClinVar variation 2048524 (VCV002048524.6), dbSNP rs578112810, ClinGen allele CA10253953.